The following is an entry in ClinVar:

ClinVar aggregate classification (germline): Uncertain significance. Review status: criteria provided, multiple submitters, no conflicts (2 of 4 stars). 2 submissions from 2 submitters: Uncertain significance (2). Last evaluated 2025-12-11.

Conditions:
Inborn genetic diseases. Identifiers: MedGen C0950123, MeSH D030342.

Allele frequency attached by ClinVar (database versions not stated): ExAC 0.00002; TOPMed 0.00007.

Submissions (2):

Ambry Genetics
Classification: Uncertain significance for Inborn genetic diseases. Last evaluated: 2025-12-11. Review status: criteria provided, single submitter. Criteria: Ambry Variant Classification Scheme 2023. Collection method: clinical testing. Allele origin: germline.

Labcorp Genetics (formerly Invitae), Labcorp
Classification: Uncertain significance. Last evaluated: 2022-03-01. Review status: criteria provided, single submitter. Criteria: Invitae Variant Classification Sherloc (09022015). Collection method: clinical testing. Allele origin: germline.
Comment: Algorithms developed to predict the effect of missense changes on protein structure and function are either unavailable or do not agree on the potential impact of this missense change (SIFT: "Deleterious"; PolyPhen-2: "Probably Damaging"; Align-GVGD: "Class C0"). Algorithms developed to predict the effect of sequence changes on RNA splicing suggest that this variant may create or strengthen a splice site. In summary, the available evidence is currently insufficient to determine the role of this variant in disease. Therefore, it has been classified as a Variant of Uncertain Significance. This variant has not been reported in the literature in individuals affected with HPSE2-related conditions. This sequence change replaces arginine, which is basic and polar, with serine, which is neutral and polar, at codon 590 of the HPSE2 protein (p.Arg590Ser). This variant is present in population databases (rs745695570, gnomAD 0.009%).

NM_021828.5(HPSE2):c.1768C>A (p.Arg590Ser)

Gene: HPSE2 (heparanase 2 (inactive); minus strand). Cytogenetic location: 10q24.2.
Variant type: single nucleotide variant.
Coding change: c.1768C>A on transcript NM_021828.5 (MANE Select); coding-DNA position 1768, C replaced by A.
Protein change: p.Arg590Ser; replaces arginine 590 with serine.
Molecular consequence: missense variant. On other transcripts: 3 prime UTR variant (1).
Genome position (GRCh38, 1-based): chr10:98,459,585, G>T on the plus strand (C>A on the coding strand, the complement: HPSE2 is on the minus strand). VCF-style: chr10-98459585-G-T. GRCh37 (hg19) VCF-style: chr10-100219342-G-T.
Other names: c.1594C>A, p.Arg532Ser (NM_001166244.1); c.1432C>A, p.Arg478Ser (NM_001166245.1); c.*191C>A (NM_001166246.1); c.1768C>A (NM_021828.4); short protein forms R478S, R532S, R590S.
Identifiers: ClinVar variation 2172514 (VCV002172514.7), dbSNP rs745695570, ClinGen allele CA5639565.